The following is an entry in ClinVar:

ClinVar aggregate classification (germline): Uncertain significance. Review status: criteria provided, multiple submitters, no conflicts (2 of 4 stars). 2 submissions from 2 submitters: Uncertain significance (2). Last evaluated 2026-06-02.

Conditions:
Familial focal epilepsy with variable foci (FPEVF). Identifiers: Orphanet 98820, MedGen C1858477, MONDO:0020310.
Inborn genetic diseases. Identifiers: MedGen C0950123, MeSH D030342.

Allele frequency attached by ClinVar (database versions not stated): TOPMed below 0.00001; gnomAD exomes 0.00002.
gnomAD v4.1: 24 of 1,613,856 alleles (0.0015%); highest among the groups gnomAD compares: Non-Finnish European, 0.002%; no homozygotes.

Submissions (2):

Ambry Genetics
Classification: Uncertain significance for Inborn genetic diseases. Last evaluated: 2026-06-02. Review status: criteria provided, single submitter. Criteria: Ambry Variant Classification Scheme 2023. Collection method: clinical testing. Allele origin: germline.
Comment: The c.413+6T>C intronic alteration consists of a T to C substitution nucleotides after coding exon 6 in the DEPDC5 gene. This variant was not reported in population-based cohorts in the Genome Aggregation Database (gnomAD). Based on insufficient or conflicting evidence, the clinical significance of this alteration remains unclear.

Labcorp Genetics (formerly Invitae), Labcorp
Classification: Uncertain significance for Familial focal epilepsy with variable foci. Last evaluated: 2024-06-25. Review status: criteria provided, single submitter. Criteria: Invitae Variant Classification Sherloc (09022015). Collection method: clinical testing. Allele origin: germline.
Comment: This sequence change falls in intron 7 of the DEPDC5 gene. It does not directly change the encoded amino acid sequence of the DEPDC5 protein. It affects a nucleotide within the consensus splice site. This variant is not present in population databases (gnomAD no frequency). This variant has not been reported in the literature in individuals affected with DEPDC5-related conditions. ClinVar contains an entry for this variant (Variation ID: 1061619). Variants that disrupt the consensus splice site are a relatively common cause of aberrant splicing (PMID: 17576681, 9536098). Algorithms developed to predict the effect of sequence changes on RNA splicing suggest that this variant may disrupt the consensus splice site. In summary, the available evidence is currently insufficient to determine the role of this variant in disease. Therefore, it has been classified as a Variant of Uncertain Significance.

Literature cited by the submitters: PubMed 17576681 (cited by Labcorp Genetics (formerly Invitae), Labcorp); PubMed 9536098 (cited by Labcorp Genetics (formerly Invitae), Labcorp).

NM_001242896.3(DEPDC5):c.413+6T>C

Gene: DEPDC5 (DEP domain containing 5, GATOR1 subcomplex subunit; plus strand). Cytogenetic location: 22q12.2.
Variant type: single nucleotide variant.
Coding change: c.413+6T>C on transcript NM_001242896.3 (MANE Select); 6 bases into the intron after coding-DNA position 413, T replaced by C.
Molecular consequence: intron variant.
Genome position (GRCh38, 1-based): chr22:31,768,869, T>C. VCF-style: chr22-31768869-T-C. GRCh37 (hg19) VCF-style: chr22-32164855-T-C.
Other names: c.413+6T>C (NM_001242896.1, NM_001364318.2, NM_001136029.4 and 8 more transcripts); c.329+6T>C (NM_001369902.1, NM_001369901.1).
Identifiers: ClinVar variation 1061619 (VCV001061619.8), dbSNP rs748450091, ClinGen allele CA323328515.